The following is an entry in ClinVar:

ClinVar aggregate classification (germline): Uncertain significance. Review status: criteria provided, multiple submitters, no conflicts (2 of 4 stars). 2 submissions from 2 submitters: Uncertain significance (2). Last evaluated 2025-07-01.

Conditions:
Malignant hyperthermia, susceptibility to, 1 (MHS1). Also called: Malignant hyperthermia suceptibility 1; RYR1-Related Malignant Hyperthermia Susceptibility; Anesthesia related hyperthermia; Malignant hyperpyrexia; Fulminating hyperpyrexia; Pharmacogenic myopathy. Identifiers: Orphanet 423, MedGen C2930980, MONDO:0007783, OMIM 145600.

gnomAD v4.1: 12 of 1,614,164 alleles (0.00074%); highest among the groups gnomAD compares: East Asian, 0.0045%; no homozygotes.

Submissions (2):

Color Diagnostics, LLC DBA Color Health
Classification: Uncertain significance for Malignant hyperthermia, susceptibility to, 1. Last evaluated: 2025-07-01. Review status: criteria provided, single submitter. Criteria: ACMG Guidelines, 2015. Collection method: clinical testing. Allele origin: germline.
Comment: This synonymous variant does not change the amino acid sequence of the RYR1 protein. Splice site prediction tools suggest that this variant may impact RNA splicing. However, this prediction has not been confirmed in published RNA studies. This variant has not been reported in individuals affected with RYR1-related disorders in the literature. This variant has been identified in 1/251390 chromosomes in the general population by the Genome Aggregation Database (gnomAD). The available evidence is insufficient to determine the role of this variant in disease conclusively. Therefore, this variant is classified as a Variant of Uncertain Significance.

GeneDx
Classification: Uncertain significance. Last evaluated: 2023-12-19. Review status: criteria provided, single submitter. Criteria: GeneDx Variant Classification Process June 2021. Collection method: clinical testing. Allele origin: germline. Affected: yes.
Comment: Not observed at significant frequency in large population cohorts (gnomAD); In silico analysis supports a deleterious effect on splicing; Has not been previously published as pathogenic or benign to our knowledge

NM_000540.3(RYR1):c.14538G>A (p.Ala4846=)

Gene: RYR1 (ryanodine receptor 1; plus strand). Cytogenetic location: 19q13.2.
Variant type: single nucleotide variant.
Coding change: c.14538G>A on transcript NM_000540.3 (MANE Select); coding-DNA position 14538, G replaced by A.
Protein change: p.Ala4846=; no amino-acid change (alanine 4846 retained).
Molecular consequence: synonymous variant.
Genome position (GRCh38, 1-based): chr19:38,580,396, G>A. VCF-style: chr19-38580396-G-A. GRCh37 (hg19) VCF-style: chr19-39071036-G-A.
Other names: c.14523G>A, p.Ala4841= (NM_001042723.2).
Identifiers: ClinVar variation 3342886 (VCV003342886.2).